The following is an entry in ClinVar:

NM_001673.5(ASNS):c.383C>T (p.Thr128Ile)

Genes: ASNS (asparagine synthetase (glutamine-hydrolyzing); minus strand), CZ1P-ASNS (CZ1P-ASNS readthrough; minus strand). Cytogenetic location: 7q21.3.
Variant type: single nucleotide variant.
Coding change: c.383C>T on transcript NM_001673.5 (MANE Select); coding-DNA position 383, C replaced by T.
Protein change: p.Thr128Ile; replaces threonine 128 with isoleucine.
Molecular consequence: missense variant. On other transcripts: non-coding transcript variant (1).
Genome position (GRCh38, 1-based): chr7:97,864,363, G>A on the plus strand (C>T on the coding strand, the complement: ASNS is on the minus strand). VCF-style: chr7-97864363-G-A. GRCh37 (hg19) VCF-style: chr7-97493675-G-A.
Other names: c.320C>T, p.Thr107Ile (NM_001178075.2); c.134C>T, p.Thr45Ile (NM_001178076.2, NM_001178077.1); c.383C>T, p.Thr128Ile (NM_001352496.2, NM_133436.3, NM_183356.4); short protein forms T128I, T45I, T107I.
Identifiers: ClinVar variation 2146458 (VCV002146458.2), dbSNP rs374507287, ClinGen allele CA4354784.
Genomic context (GRCh38, chr7:97,864,363, plus strand): 5'-GCTTTAAACAAAGGTCTGACTCCATATGTATCTCTACCCAGGAACACTTTCTTATTGGCA[G>A]TATCCAGTAAAACAAATGCAAACACACCATCCAACATACAAATTGTTTGCTCAATTCCTC-3'
Protein context (NP_001664.3, residues 118-138): DGVFAFVLLD[Thr128Ile]ANKKVFLGRD

ClinVar aggregate classification (germline): Uncertain significance (1 of 4 stars; one submission).

Allele frequency attached by ClinVar (database versions not stated): ExAC 0.00001; gnomAD 0.00001; gnomAD exomes 0.00001; ESP Exome Variant Server 0.00008.
gnomAD v4.1: 13 of 1,613,760 alleles (0.00081%); highest among the groups gnomAD compares: Non-Finnish European, 0.0011%; no homozygotes.

Submission:

Labcorp Genetics (formerly Invitae), Labcorp
Classification: Uncertain significance. Last evaluated: 2025-07-28. Review status: criteria provided, single submitter. Criteria: Invitae Variant Classification Sherloc (09022015). Collection method: clinical testing. Allele origin: germline.
Comment: This sequence change replaces threonine, which is neutral and polar, with isoleucine, which is neutral and non-polar, at codon 128 of the ASNS protein (p.Thr128Ile). The frequency data for this variant in the population databases is considered unreliable, as metrics indicate poor data quality at this position in the gnomAD database. This variant has not been reported in the literature in individuals affected with ASNS-related conditions. ClinVar contains an entry for this variant (Variation ID: 2146458). Invitae Evidence Modeling of protein sequence and biophysical properties (such as structural, functional, and spatial information, amino acid conservation, physicochemical variation, residue mobility, and thermodynamic stability) indicates that this missense variant is not expected to disrupt ASNS protein function with a negative predictive value of 80%. In summary, the available evidence is currently insufficient to determine the role of this variant in disease. Therefore, it has been classified as a Variant of Uncertain Significance.